The following is an entry in ClinVar:

ClinVar aggregate classification (germline): Likely pathogenic. Review status: criteria provided, multiple submitters, no conflicts (2 of 4 stars). 2 submissions from 2 submitters: Likely pathogenic (2). Last evaluated 2022-09-01.

Conditions:
Cornelia de Lange syndrome 1 (CDLS1). Also called: NIPBL-Related Cornelia de Lange Syndrome; TYPUS DEGENERATIVUS AMSTELODAMENSIS; Brachmann de Lange syndrome. Identifiers: Orphanet 199, MedGen C4551851, MONDO:0007387, OMIM 122470.

Submissions (2):

3billion
Classification: Likely pathogenic for Cornelia de Lange syndrome 1. Last evaluated: 2022-09-01. Review status: criteria provided, single submitter. Criteria: ACMG Guidelines, 2015. Collection method: clinical testing. Allele origin: germline. Affected: yes. Observed: 1 heterozygote.
Comment: The variant is not observed in the gnomAD v2.1.1 dataset. Canonical splice site is predicted to alter splicing and result in a loss or disruption of normal protein function. Multiple pathogenic loss-of-function variants are reported downstream of the variant. Therefore, this variant is classified as Likely pathogenic according to the recommendation of ACMG/AMP guideline.

Victorian Clinical Genetics Services, Murdoch Childrens Research Institute
Classification: Likely pathogenic for Cornelia de Lange syndrome 1. Last evaluated: 2020-05-25. Review status: criteria provided, single submitter. Criteria: ACMG Guidelines, 2015. Collection method: clinical testing. Allele origin: germline. Inheritance: Autosomal dominant inheritance. Affected: yes.
Comment: Based on the classification scheme VCGS_Germline_v1.1.1, this variant is classified as Likely pathogenic. Following criteria are met: 0102 - Loss-of-function is a known mechanism of disease for this gene. (N) 0107 - This gene is known to be associated with autosomal dominant disease. (N) 0211 - Canonical splice site variant without proven consequence on splicing (no functional evidence available) (intron 8). (P) 0251 - Variant is heterozygous. (N) 0301 - Variant is absent from gnomAD. (P) 0505 - Abnormal splicing is predicted by in silico tools and affected nucleotide is highly conserved. (P) 0702 - Comparable variants have strong previous evidence for pathogenicity. A c.869-1G>A variant has been reported as pathogenic (ClinVar). A c.869-2A>G variant has been reported in a family with Cornelia de Lange syndrome and cDNA analysis showed exon 9 was skipped in patient samples (PMID:30057591). (P) 0807 - Variant has not previously been reported in a clinical context. (N) 0905 - No segregation evidence has been identified for this variant. (N) 1007 - No published functional evidence has been identified for this variant. (N) 1208 - Inheritance information for this variant is not currently available. (N) Legend: (P) - Pathogenic, (N) - Neutral, (B) - Benign

Literature cited by the submitters: PubMed 30057591 (cited by Victorian Clinical Genetics Services, Murdoch Childrens Research Institute).

NM_133433.4(NIPBL):c.869-1G>C

Gene: NIPBL (NIPBL cohesin loading factor; plus strand). Cytogenetic location: 5p13.2.
Variant type: single nucleotide variant.
Coding change: c.869-1G>C on transcript NM_133433.4 (MANE Select); the canonical splice acceptor site of the intron before coding-DNA position 869, G replaced by C.
Molecular consequence: splice acceptor variant.
Genome position (GRCh38, 1-based): chr5:36,975,775, G>C. VCF-style: chr5-36975775-G-C. GRCh37 (hg19) VCF-style: chr5-36975877-G-C.
Other names: c.869-1G>C (NM_133433.3, NM_015384.5).
Identifiers: ClinVar variation 1705484 (VCV001705484.2), dbSNP rs587784059, ClinGen allele CA359482043.